The following is an entry in ClinVar:

ClinVar aggregate classification (germline): Uncertain significance. Review status: criteria provided, single submitter (1 of 4 stars). 2 submissions from 2 submitters: Uncertain significance (1). 1 of the submissions does not count toward it. Last evaluated 2022-05-30.

Conditions:
CEP290-related disorder. Also called: CEP290-related condition; CEP290-related disorders. Identifiers: MedGen CN239314.
Joubert syndrome. Also called: CEREBELLOPARENCHYMAL DISORDER IV; JOUBERT-BOLTSHAUSER SYNDROME; Familial aplasia of the vermis. Identifiers: Orphanet 475, MedGen C5979921, MONDO:0018772.
Nephronophthisis. Also called: Juvenile Nephronophthisis. Identifiers: Orphanet 655, MedGen C0687120, MONDO:0019005, HP:0000090.
Meckel-Gruber syndrome. Also called: DYSENCEPHALIA SPLANCHNOCYSTICA; GRUBER SYNDROME; Dysencephalia splachnocystica. Identifiers: Orphanet 564, MedGen C0265215, MONDO:0018921.

Allele frequency attached by ClinVar (database versions not stated): gnomAD exomes below 0.00001; TOPMed below 0.00001.
gnomAD v4.1: 2 of 1,553,418 alleles (0.00013%); highest among the groups gnomAD compares: East Asian, 0.0024%; no homozygotes.

Submissions (2):

Labcorp Genetics (formerly Invitae), Labcorp
Classification: Uncertain significance for Joubert syndrome; Meckel-Gruber syndrome; Nephronophthisis. Last evaluated: 2022-05-30. Review status: criteria provided, single submitter. Criteria: Invitae Variant Classification Sherloc (09022015). Collection method: clinical testing. Allele origin: germline.
Comment: This sequence change replaces glutamic acid, which is acidic and polar, with lysine, which is basic and polar, at codon 2149 of the CEP290 protein (p.Glu2149Lys). The frequency data for this variant in the population databases is considered unreliable, as metrics indicate poor data quality at this position in the gnomAD database. This variant has not been reported in the literature in individuals affected with CEP290-related conditions. Algorithms developed to predict the effect of missense changes on protein structure and function are either unavailable or do not agree on the potential impact of this missense change (SIFT: "Tolerated"; PolyPhen-2: "Possibly Damaging"; Align-GVGD: "Class C0"). In summary, the available evidence is currently insufficient to determine the role of this variant in disease. Therefore, it has been classified as a Variant of Uncertain Significance.

PreventionGenetics, part of Exact Sciences
Classification: Uncertain significance for CEP290-related condition. Last evaluated: 2024-08-22. Review status: no assertion criteria provided. Collection method: clinical testing. Allele origin: germline. Not counted in ClinVar's aggregate classification.
Comment: The CEP290 c.6445G>A variant is predicted to result in the amino acid substitution p.Glu2149Lys. To our knowledge, this variant has not been reported in the literature. This variant is reported in 0.0042% of alleles in individuals of Latino descent in gnomAD. At this time, the clinical significance of this variant is uncertain due to the absence of conclusive functional and genetic evidence.

NM_025114.4(CEP290):c.6445G>A (p.Glu2149Lys)

Gene: CEP290 (centrosomal protein 290; minus strand). Cytogenetic location: 12q21.32.
Variant type: single nucleotide variant.
Coding change: c.6445G>A on transcript NM_025114.4 (MANE Select); coding-DNA position 6445, G replaced by A.
Protein change: p.Glu2149Lys; replaces glutamic acid 2149 with lysine.
Molecular consequence: missense variant.
Genome position (GRCh38, 1-based): chr12:88,060,907, C>T on the plus strand (G>A on the coding strand, the complement: CEP290 is on the minus strand). VCF-style: chr12-88060907-C-T. GRCh37 (hg19) VCF-style: chr12-88454684-C-T.
Other names: short protein forms E2149K.
Identifiers: ClinVar variation 2182919 (VCV002182919.3), dbSNP rs1323758514, ClinGen allele CA385978654.